The following is an entry in ClinVar:

ClinVar aggregate classification (germline): Likely benign. Review status: criteria provided, multiple submitters, no conflicts (2 of 4 stars). 3 submissions from 3 submitters: Likely benign (3). Last evaluated 2026-04-15.

Conditions:
Cardiovascular phenotype. Identifiers: MedGen CN230736.
SCN10A-related disorder. Also called: SCN10A-related condition.
Brugada syndrome. Also called: Sudden Unexplained Death Syndrome; Sudden Unexplained Nocturnal Death Syndrome (SUNDS); Sudden unexplained nocturnal death syndrome; Sudden unexpected nocturnal death syndrome. Identifiers: Orphanet 130, MedGen C1142166, MONDO:0015263.

Allele frequency attached by ClinVar (database versions not stated): gnomAD exomes 0.00001; ExAC 0.00002.
gnomAD v4.1: 3 of 1,614,162 alleles (0.00019%); highest among the groups gnomAD compares: Admixed American, 0.0017%; no homozygotes.

Submissions (3):

PreventionGenetics, part of Exact Sciences
Classification: Likely benign for SCN10A-related condition. Last evaluated: 2026-04-15. Review status: criteria provided, single submitter. Criteria: ACMG Guidelines, 2015. Collection method: clinical testing. Allele origin: germline.
Comment: This variant is classified as likely benign based on ACMG/AMP sequence variant interpretation guidelines (Richards et al. 2015 PMID: 25741868, with internal and published modifications).

Labcorp Genetics (formerly Invitae), Labcorp
Classification: Likely benign for Brugada syndrome. Last evaluated: 2025-11-21. Review status: criteria provided, single submitter. Criteria: Invitae Variant Classification Sherloc (09022015). Collection method: clinical testing. Allele origin: germline.

Ambry Genetics
Classification: Likely benign for Cardiovascular phenotype. Last evaluated: 2019-07-11. Review status: criteria provided, single submitter. Criteria: Ambry Variant Classification Scheme 2023. Collection method: clinical testing. Allele origin: germline.

NM_006514.4(SCN10A):c.5589G>A (p.Arg1863=)

Gene: SCN10A (sodium voltage-gated channel alpha subunit 10; minus strand). Cytogenetic location: 3p22.2.
Variant type: single nucleotide variant.
Coding change: c.5589G>A on transcript NM_006514.4 (MANE Select); coding-DNA position 5589, G replaced by A.
Protein change: p.Arg1863=; no amino-acid change (arginine 1863 retained).
Molecular consequence: synonymous variant.
Genome position (GRCh38, 1-based): chr3:38,697,631, C>T on the plus strand (G>A on the coding strand, the complement: SCN10A is on the minus strand). VCF-style: chr3-38697631-C-T. GRCh37 (hg19) VCF-style: chr3-38739122-C-T.
Other names: c.5586G>A, p.Arg1862= (NM_001293306.2); c.5295G>A, p.Arg1765= (NM_001293307.2); c.5589G>A (NM_006514.3).
Identifiers: ClinVar variation 414635 (VCV000414635.11), dbSNP rs756017969, ClinGen allele CA2319645.
Genomic context (GRCh38, chr3:38,697,631, plus strand): 5'-CTCAGCTCTGGGCACACATGGGGTGTTAGAGAGTGCCATGGAGCGGTGCAGCACATAGCT[C>T]CGATAGGCCTTTTGAATGACAGTGGCTGAAATGTCTTCTTGCTTCCATCGGAGAGTGGTT-3'
Protein context (NP_006505.4, residues 1853-1873): ISATVIQKAY[Arg1863=]SYVLHRSMAL